The following is an entry in ClinVar:

NM_002641.4(PIGA):c.151_187del (p.Ser51fs)

Gene: PIGA (phosphatidylinositol glycan anchor biosynthesis class A; minus strand). Cytogenetic location: Xp22.2.
Variant type: Deletion.
Coding change: c.151_187del on transcript NM_002641.4 (MANE Select); coding-DNA positions 151 to 187, 37 bases deleted.
Protein change: p.Ser51fs; shifts the reading frame from serine 51.
Molecular consequence: frameshift variant. On other transcripts: non-coding transcript variant (1), intron variant (1).
Genome position (GRCh38, 1-based): chrX:15,331,744-15,331,780, 37 bases deleted; deleting any 37 consecutive bases within chrX:15,331,744-15,331,782 gives the same sequence; the c. name uses the placement nearest the transcript's 3' end. GRCh37 (hg19): chrX:15,349,868-15,349,904.
Other names: c.149_185del37, p.Ser51Glufs (NM_002641.3); c.13+3721_13+3757del (NM_020473.3); short protein forms S51fs.
Identifiers: ClinVar variation 2502425 (VCV002502425.1), dbSNP rs2519331925, ClinGen allele CA2580615389.

ClinVar aggregate classification (germline): Likely pathogenic (0 of 4 stars; one submission).

Conditions:
Paroxysmal nocturnal hemoglobinuria 1 (PNH1). Identifiers: Orphanet 447, MedGen C3806670, MONDO:0010438, OMIM 300818.

Submission:

Pangenia Genomics, Pangenia Inc.
Classification: Likely pathogenic for Paroxysmal nocturnal hemoglobinuria 1. Last evaluated: 2022-12-05. Review status: no assertion criteria provided. Collection method: research. Allele origin: somatic. Inheritance: Somatic mutation. Affected: yes.
Comment: This variant change creates a premature translational stop signal (p.Ser51Glufs*6) in the PIGA gene. It is expected to result in nonsense mediated decay, and an absent or disrupted protein product. Loss-of-function variants in PIGA are known to be pathogenic (PMID: 24706016, 26545172). This variant is absent from the gnomAD v2.1.1 dataset with good coverage of the locus.